The following is an entry in ClinVar:

ClinVar aggregate classification (germline): Uncertain significance (1 of 4 stars; one submission).

Allele frequency attached by ClinVar (database versions not stated): gnomAD exomes 0.00001; TOPMed 0.00002; ExAC 0.00003; gnomAD 0.00003.
gnomAD v4.1: 14 of 1,613,420 alleles (0.00087%); highest among the groups gnomAD compares: African/African-American, 0.012%; no homozygotes.

Submission:

Labcorp Genetics (formerly Invitae), Labcorp
Classification: Uncertain significance. Last evaluated: 2022-01-22. Review status: criteria provided, single submitter. Criteria: Invitae Variant Classification Sherloc (09022015). Collection method: clinical testing. Allele origin: germline.
Comment: In summary, the available evidence is currently insufficient to determine the role of this variant in disease. Therefore, it has been classified as a Variant of Uncertain Significance. Algorithms developed to predict the effect of sequence changes on RNA splicing suggest that this variant may create or strengthen a splice site. Algorithms developed to predict the effect of missense changes on protein structure and function are either unavailable or do not agree on the potential impact of this missense change (SIFT: "Tolerated"; PolyPhen-2: "Probably Damaging"; Align-GVGD: "Class C0"). This missense change has been observed in individual(s) with clinical features of cystinuria (Invitae). This variant is present in population databases (rs771756029, gnomAD 0.007%). This sequence change replaces glycine, which is neutral and non-polar, with serine, which is neutral and polar, at codon 315 of the SLC7A9 protein (p.Gly315Ser).

NM_014270.5(SLC7A9):c.943G>A (p.Gly315Ser)

Gene: SLC7A9 (solute carrier family 7 member 9; minus strand). Cytogenetic location: 19q13.11.
Variant type: single nucleotide variant.
Coding change: c.943G>A on transcript NM_014270.5 (MANE Select); coding-DNA position 943, G replaced by A.
Protein change: p.Gly315Ser; replaces glycine 315 with serine.
Molecular consequence: missense variant.
Genome position (GRCh38, 1-based): chr19:32,858,474, C>T on the plus strand (G>A on the coding strand, the complement: SLC7A9 is on the minus strand). VCF-style: chr19-32858474-C-T. GRCh37 (hg19) VCF-style: chr19-33349380-C-T.
Other names: c.943G>A, p.Gly315Ser (NM_001126335.2, NM_001243036.2); short protein forms G315S.
Identifiers: ClinVar variation 2155015 (VCV002155015.4), dbSNP rs771756029, ClinGen allele CA9358572.